The following is an entry in ClinVar:

NM_002528.7(NTHL1):c.832G>A (p.Gly278Ser)

Gene: NTHL1 (nth like DNA glycosylase 1; minus strand). Cytogenetic location: 16p13.3.
Variant type: single nucleotide variant.
Coding change: c.832G>A on transcript NM_002528.7 (MANE Select); coding-DNA position 832, G replaced by A.
Protein change: p.Gly278Ser; replaces glycine 278 with serine.
Molecular consequence: missense variant.
Genome position (GRCh38, 1-based): chr16:2,040,007, C>T on the plus strand (G>A on the coding strand, the complement: NTHL1 is on the minus strand). VCF-style: chr16-2040007-C-T. GRCh37 (hg19) VCF-style: chr16-2090008-C-T.
Other names: c.832G>A, p.Gly278Ser (LRG_1366t1); c.661G>A, p.Gly221Ser (NM_001318193.2); c.502G>A, p.Gly168Ser (NM_001318194.2); short protein forms G278S, G168S, G221S.
Identifiers: ClinVar variation 587358 (VCV000587358.30), dbSNP rs139309757, ClinGen allele CA7828085.

ClinVar aggregate classification (germline): Uncertain significance. Review status: criteria provided, multiple submitters, no conflicts (2 of 4 stars). 10 submissions from 10 submitters: Uncertain significance (9). 1 of the submissions does not count toward it. Last evaluated 2026-06-16.

Conditions:
Familial adenomatous polyposis 3. Also called: NTHL1-associated polyposis; NTHL1-Related Adenomatous Polyposis and Colorectal Cancer; NTHL1-related attenuated familial adenomatous polyposis; NTHL1 Tumor Syndrome. Identifiers: Orphanet 220460, Orphanet 454840, MedGen C4225157, MONDO:0014630, OMIM 616415.
Hereditary cancer-predisposing syndrome. Also called: Neoplastic Syndromes, Hereditary; Tumor predisposition; Hereditary Cancer Syndrome; Hereditary neoplastic syndrome. Identifiers: Orphanet 140162, MedGen C0027672, MeSH D009386, MONDO:0015356.
Inherited polyposis and early onset colorectal cancer - germline testing.

Allele frequency attached by ClinVar (database versions not stated): gnomAD 0.00002 and 0.00004; TOPMed 0.00002; ExAC 0.00004; ESP Exome Variant Server 0.00008; 1000 Genomes Project 0.00040; 1000 Genomes Project 30x 0.00047.
gnomAD v4.1: 62 of 1,611,498 alleles (0.0038%); highest among the groups gnomAD compares: Middle Eastern, 0.016%; no homozygotes.

Submissions (10):

Cambridge Genomics Laboratory, East Genomic Laboratory Hub, NHS Genomic Medicine Service
Classification: Uncertain significance for Inherited polyposis and early onset colorectal cancer - germline testing. Last evaluated: 2026-06-16. Review status: criteria provided, single submitter. Criteria: ACGS Best Practice Guidelines for Variant Classification in Rare Disease 2020. Collection method: clinical testing. Allele origin: germline. Affected: yes.
Comment: PP3

Center for Genomic Medicine, Rigshospitalet, Copenhagen University Hospital
Classification: Uncertain significance. Last evaluated: 2025-12-29. Review status: criteria provided, single submitter. Criteria: ACMG Guidelines, 2015. Collection method: clinical testing. Allele origin: germline.

Labcorp Genetics (formerly Invitae), Labcorp
Classification: Uncertain significance. Last evaluated: 2025-12-28. Review status: criteria provided, single submitter. Criteria: Invitae Variant Classification Sherloc (09022015). Collection method: clinical testing. Allele origin: germline.
Comment: This sequence change replaces glycine, which is neutral and non-polar, with serine, which is neutral and polar, at codon 286 of the NTHL1 protein (p.Gly286Ser). This variant is present in population databases (rs139309757, gnomAD 0.004%). This missense change has been observed in individual(s) with breast cancer and/or polyposis and colorectal cancer (PMID: 31285513, 33980861). ClinVar contains an entry for this variant (Variation ID: 587358). An algorithm developed to predict the effect of missense changes on protein structure and function (PolyPhen-2) suggests that this variant is likely to be disruptive. Experimental studies have shown that this missense change does not substantially affect NTHL1 function (PMID: 30552997). RNA analysis performed to evaluate the impact of this missense change on mRNA splicing indicates it does not significantly alter splicing (internal data). In summary, the available evidence is currently insufficient to determine the role of this variant in disease. Therefore, it has been classified as a Variant of Uncertain Significance.

GeneDx
Classification: Uncertain significance. Last evaluated: 2025-09-08. Review status: criteria provided, single submitter. Criteria: GeneDx Variant Classification Process June 2021. Collection method: clinical testing. Allele origin: germline. Affected: yes.
Comment: Not observed at significant frequency in large population cohorts (gnomAD); Published functional studies demonstrate no damaging effect: DNA glycosylase activity comparable to wild type (PMID: 30552997); In silico analysis supports that this missense variant has a deleterious effect on protein structure/function; This variant is associated with the following publications: (PMID: 31285513, 30552997, 33980861)

Ambry Genetics
Classification: Uncertain significance for Hereditary cancer-predisposing syndrome. Last evaluated: 2025-05-09. Review status: criteria provided, single submitter. Criteria: Ambry Variant Classification Scheme 2023. Collection method: clinical testing. Allele origin: germline.
Comment: The p.G286S variant (also known as c.856G>A), located in coding exon 6 of the NTHL1 gene, results from a G to A substitution at nucleotide position 856. The glycine at codon 286 is replaced by serine, an amino acid with similar properties. This variant was detected in the heterozygous state in one individual diagnosed with attenuated adenomatous polyposis (Lorca V et al. Sci Rep. 2019 Jul;9:9814). In one functional study the p.G286S variant exhibited expression levels and DNA cleavage activity similar to wild-type indicating that it did not lead to defective repair activity (Shinmura K et al. Free Radic. Biol. Med. 2019 02;131:264-273). This amino acid position is highly conserved in available vertebrate species. In addition, this alteration is predicted to be deleterious by in silico analysis. Based on the available evidence, the clinical significance of this variant remains unclear.

Fulgent Genetics
Classification: Uncertain significance for Familial adenomatous polyposis 3. Last evaluated: 2024-04-25. Review status: criteria provided, single submitter. Criteria: ACMG Guidelines, 2015. Collection method: clinical testing. Allele origin: germline.

Baylor Genetics
Classification: Uncertain significance for Familial adenomatous polyposis 3. Last evaluated: 2024-02-29. Review status: criteria provided, single submitter. Criteria: ACMG Guidelines, 2015. Collection method: clinical testing. Allele origin: unknown.

Quest Diagnostics Nichols Institute San Juan Capistrano
Classification: Uncertain significance. Last evaluated: 2023-08-03. Review status: criteria provided, single submitter. Criteria: Quest Diagnostics criteria. Collection method: clinical testing. Allele origin: unknown.
Comment: In the published literature, this variant has been reported in individuals with colorectal cancer and polyposis (PMID: 31285513 (2019)) and breast cancer (PMID: 33980861 (2021)). An experimental study reports this variant has neutral effect on NTHL1 DNA damage repair activity (PMID: 30552997 (2019)). The frequency of this variant in the general population, 0.000047 (6/126892 chromosomes (Genome Aggregation Database)), is uninformative in the assessment of its pathogenicity. Analysis of this variant using bioinformatics tools for the prediction of the effect of amino acid changes on protein structure and function yielded predictions that this variant is damaging. Additional analysis using software algorithms for the prediction of the effect of nucleotide changes on NTHL1 mRNA splicing yielded predictions that this variant may result in the gain of a cryptic splice site without affecting the natural splice sites . Based on the available information, we are unable to determine the clinical significance of this variant.

Centre for Mendelian Genomics, University Medical Centre Ljubljana
Classification: Uncertain significance for Familial adenomatous polyposis 3. Last evaluated: 2018-11-04. Review status: criteria provided, single submitter. Criteria: ACMG Guidelines, 2015. Collection method: clinical testing. Allele origin: unknown. Affected: yes.
Comment: This variant was classified as: Uncertain significance. The available evidence on this variant's pathogenicity is insufficient or conflicting. The following ACMG criteria were applied in classifying this variant: PP3.

Molecular Oncology Laboratory, Hospital Clínico San Carlos
Classification: Uncertain significance for Familial adenomatous polyposis 3. Last evaluated: 2018-06-01. Review status: no assertion criteria provided. Criteria: ACMG Guidelines, 2015. Collection method: clinical testing. Allele origin: germline. Inheritance: Autosomal recessive inheritance. Affected: yes. Not counted in ClinVar's aggregate classification.

Literature cited by the submitters: PubMed 31285513 (cited by 3 submitters); PubMed 33980861 (cited by 3 submitters); PubMed 30552997 (cited by 3 submitters).